The following is an entry in ClinVar:

NM_000101.4(CYBA):c.425C>G (p.Pro142Arg)

Gene: CYBA (cytochrome b-245 alpha chain; minus strand). Cytogenetic location: 16q24.2.
Variant type: single nucleotide variant.
Coding change: c.425C>G on transcript NM_000101.4 (MANE Select); coding-DNA position 425, C replaced by G.
Protein change: p.Pro142Arg; replaces proline 142 with arginine.
Molecular consequence: missense variant.
Genome position (GRCh38, 1-based): chr16:88,643,516, G>C on the plus strand (C>G on the coding strand, the complement: CYBA is on the minus strand). VCF-style: chr16-88643516-G-C. GRCh37 (hg19) VCF-style: chr16-88709924-G-C.
Other names: short protein forms P142R.
Identifiers: ClinVar variation 2173377 (VCV002173377.1), dbSNP rs909600062, ClinGen allele CA397057586.

ClinVar aggregate classification (germline): Uncertain significance (1 of 4 stars; one submission).

Conditions:
Granulomatous disease, chronic, autosomal recessive, cytochrome b-negative. Also called: GRANULOMATOUS DISEASE, CHRONIC, AUTOSOMAL RECESSIVE, 4; Chronic granulomatous disease, autosomal, due to deficiency of CYBA; CGD DUE TO DEFICIENCY OF THE ALPHA SUBUNIT OF CYTOCHROME b; CGD, AUTOSOMAL RECESSIVE CYTOCHROME b-NEGATIVE; CYBA DEFICIENCY. Identifiers: Orphanet 379, MedGen C1856255, MONDO:0009308, OMIM 233690.

gnomAD v4.1: 16 of 1,534,634 alleles (0.001%); highest among the groups gnomAD compares: South Asian, 0.0012%; no homozygotes.

Submission:

Labcorp Genetics (formerly Invitae), Labcorp
Classification: Uncertain significance for Granulomatous disease, chronic, autosomal recessive, cytochrome b-negative. Last evaluated: 2022-06-13. Review status: criteria provided, single submitter. Criteria: Invitae Variant Classification Sherloc (09022015). Collection method: clinical testing. Allele origin: germline.
Comment: This sequence change replaces proline, which is neutral and non-polar, with arginine, which is basic and polar, at codon 142 of the CYBA protein (p.Pro142Arg). This variant is present in population databases (no rsID available, gnomAD 0.004%). This variant has not been reported in the literature in individuals affected with CYBA-related conditions. Algorithms developed to predict the effect of missense changes on protein structure and function are either unavailable or do not agree on the potential impact of this missense change (SIFT: "Tolerated"; PolyPhen-2: "Probably Damaging"; Align-GVGD: "Class C0"). In summary, the available evidence is currently insufficient to determine the role of this variant in disease. Therefore, it has been classified as a Variant of Uncertain Significance.